The following is an entry in ClinVar:

NM_000540.3(RYR1):c.14964T>A (p.Asn4988Lys)

Gene: RYR1 (ryanodine receptor 1; plus strand). Cytogenetic location: 19q13.2.
Variant type: single nucleotide variant.
Coding change: c.14964T>A on transcript NM_000540.3 (MANE Select); coding-DNA position 14964, T replaced by A.
Protein change: p.Asn4988Lys; replaces asparagine 4988 with lysine.
Molecular consequence: missense variant.
Genome position (GRCh38, 1-based): chr19:38,586,186, T>A. VCF-style: chr19-38586186-T-A. GRCh37 (hg19) VCF-style: chr19-39076826-T-A.
Other names: c.14949T>A, p.Asn4983Lys (NM_001042723.2); short protein forms N4983K, N4988K.
Identifiers: ClinVar variation 1414563 (VCV001414563.6), dbSNP rs760607196, ClinGen allele CA061859.

ClinVar aggregate classification (germline): Uncertain significance (1 of 4 stars; one submission).

Conditions:
RYR1-related disorder. Also called: RYR1-related condition; RYR1-related disorders. Identifiers: MedGen CN239331.

Allele frequency attached by ClinVar (database versions not stated): gnomAD exomes 0.00001; ExAC 0.00002.
gnomAD v4.1: 3 of 1,613,478 alleles (0.00019%); highest among the groups gnomAD compares: Admixed American, 0.005%; no homozygotes.

Submission:

Labcorp Genetics (formerly Invitae), Labcorp
Classification: Uncertain significance for RYR1-related disorder. Last evaluated: 2022-07-11. Review status: criteria provided, single submitter. Criteria: Invitae Variant Classification Sherloc (09022015). Collection method: clinical testing. Allele origin: germline.
Comment: In summary, the available evidence is currently insufficient to determine the role of this variant in disease. Therefore, it has been classified as a Variant of Uncertain Significance. Advanced modeling of protein sequence and biophysical properties (such as structural, functional, and spatial information, amino acid conservation, physicochemical variation, residue mobility, and thermodynamic stability) performed at Invitae indicates that this missense variant is expected to disrupt RYR1 protein function. ClinVar contains an entry for this variant (Variation ID: 1414563). This variant has not been reported in the literature in individuals affected with RYR1-related conditions. This variant is present in population databases (rs760607196, gnomAD 0.009%). This sequence change replaces asparagine, which is neutral and polar, with lysine, which is basic and polar, at codon 4988 of the RYR1 protein (p.Asn4988Lys).